The following is an entry in ClinVar:

ClinVar aggregate classification (germline): Uncertain significance (1 of 4 stars; one submission).

Submission:

GeneDx
Classification: Uncertain significance. Last evaluated: 2026-01-26. Review status: criteria provided, single submitter. Criteria: GeneDx Variant Classification Process June 2021. Collection method: clinical testing. Allele origin: germline.
Comment: Not observed at significant frequency in large population cohorts (gnomAD); In silico analysis supports that this missense variant has a deleterious effect on protein structure/function; Has not been previously published as pathogenic or benign to our knowledge

NM_199334.5(THRA):c.1196C>G (p.Pro399Arg)

Gene: THRA (thyroid hormone receptor alpha; plus strand). Cytogenetic location: 17q21.1.
Variant type: single nucleotide variant.
Coding change: c.1196C>G on transcript NM_199334.5 (MANE Select); coding-DNA position 1196, C replaced by G.
Protein change: p.Pro399Arg; replaces proline 399 with arginine.
Molecular consequence: missense variant. On other transcripts: intron variant (3).
Genome position (GRCh38, 1-based): chr17:40,089,419, C>G. VCF-style: chr17-40089419-C-G. GRCh37 (hg19) VCF-style: chr17-38245672-C-G.
Other names: c.1110+86C>G (NM_001190919.2, NM_003250.6, NM_001190918.2); short protein forms P399R.
Identifiers: ClinVar variation 4975476 (VCV004975476.1).